The following is an entry in ClinVar:

NM_001267550.2(TTN):c.1895del (p.Gly632fs)

Gene: TTN (titin; minus strand). Cytogenetic location: 2q31.2.
Variant type: Deletion.
Coding change: c.1895del on transcript NM_001267550.2 (MANE Select); coding-DNA position 1895, one base deleted (G; older notation c.1895delG).
Protein change: p.Gly632fs; shifts the reading frame from glycine 632.
Molecular consequence: frameshift variant.
Genome position (GRCh38, 1-based): chr2:178,790,021, C deleted on the plus strand (G on the coding strand, the reverse complement: TTN is on the minus strand); the first of 2 consecutive C bases (chr2:178,790,021-178,790,022); deleting either gives the same sequence. VCF-style (leftmost placement, unchanged base first): chr2-178790020-GC-G. GRCh37 (hg19) VCF-style: chr2-179654747-GC-G.
Other names: c.1895del, p.Gly632fs (NM_001256850.1, NM_133378.4, NM_133379.5); c.1757del, p.Gly586fs (NM_003319.4, NM_133432.3, NM_133437.4); c.1757delG (NM_003319.4); short protein forms G586fs, G632fs.
Identifiers: ClinVar variation 1779493 (VCV001779493.2), dbSNP rs2533773182, ClinGen allele CA2580065213.

ClinVar aggregate classification (germline): Uncertain significance (1 of 4 stars; one submission).

Conditions:
Cardiovascular phenotype. Identifiers: MedGen CN230736.

Submission:

Ambry Genetics
Classification: Uncertain significance for Cardiovascular phenotype. Last evaluated: 2020-08-06. Review status: criteria provided, single submitter. Criteria: Ambry Variant Classification Scheme 2023. Collection method: clinical testing. Allele origin: germline.
Comment: The c.1757delG variant, located in coding exon 10 of the TTN gene, results from a deletion of one nucleotide at nucleotide position 1757, causing a translational frameshift with a predicted alternate stop codon (p.G586Afs*11). This exon is located in the Z-disk region of the N2-B isoform of the titin protein and is not constitutively expressed in TTN transcripts (percent spliced in or PSI 79%). This alteration is expected to result in loss of function by premature protein truncation or nonsense-mediated mRNA decay. Truncating variants in the A-band of titin are the most common cause of dilated cardiomyopathy (DCM), and, regardless of their position, truncating variants encoded in constitutive exons (PSI >90%) have been found to be significantly associated with DCM (Herman DS et al. N. Engl. J. Med., 2012 Feb;366:619-28; Roberts AM et al. Sci Transl Med, 2015 Jan;7:270ra6; Schafer S et al. Nat. Genet., 2017 01;49:46-53). However, TTN truncating variants have also been reported in 1-3% of the general population (Herman DS et al. N. Engl. J. Med. 2012;366:619-28). Based on available evidence to date, the clinical significance of this alteration remains unclear.